The following is an entry in ClinVar:

ClinVar aggregate classification (germline): Uncertain significance (1 of 4 stars; one submission).

Submission:

GeneDx
Classification: Uncertain significance. Last evaluated: 2023-12-13. Review status: criteria provided, single submitter. Criteria: GeneDx Variant Classification Process June 2021. Collection method: clinical testing. Allele origin: germline. Affected: yes.
Comment: Not observed at significant frequency in large population cohorts (gnomAD); In silico analysis supports that this missense variant has a deleterious effect on protein structure/function; Has not been previously published as pathogenic or benign to our knowledge

NM_004699.4(FAM50A):c.809C>T (p.Thr270Ile)

Gene: FAM50A (family with sequence similarity 50 member A; plus strand). Cytogenetic location: Xq28.
Variant type: single nucleotide variant.
Coding change: c.809C>T on transcript NM_004699.4 (MANE Select); coding-DNA position 809, C replaced by T.
Protein change: p.Thr270Ile; replaces threonine 270 with isoleucine.
Molecular consequence: missense variant.
Genome position (GRCh38, 1-based): chrX:154,449,911, C>T. VCF-style: chrX-154449911-C-T. GRCh37 (hg19) VCF-style: chrX-153678259-C-T.
Other names: short protein forms T270I.
Identifiers: ClinVar variation 3364969 (VCV003364969.1).